The following is an entry in ClinVar:

NM_001082971.2(DDC):c.224A>T (p.Tyr75Phe)

Genes: DDC (dopa decarboxylase; minus strand), DDC-AS1 (DDC antisense RNA 1; plus strand). Cytogenetic location: 7p12.1.
Variant type: single nucleotide variant.
Coding change: c.224A>T on transcript NM_001082971.2 (MANE Select); coding-DNA position 224, A replaced by T.
Protein change: p.Tyr75Phe; replaces tyrosine 75 with phenylalanine.
Molecular consequence: missense variant. On other transcripts: intron variant (2), non-coding transcript variant (1).
Genome position (GRCh38, 1-based): chr7:50,540,006, T>A on the plus strand (A>T on the coding strand, the complement: DDC is on the minus strand). VCF-style: chr7-50540006-T-A. GRCh37 (hg19) VCF-style: chr7-50607704-T-A.
Other names: c.224A>T, p.Tyr75Phe (NM_001242887.2, NM_001242889.2, NM_001242890.2 and 1 more transcripts); c.201+3879A>T (NM_001242888.2); c.202-2027A>T (NM_001242886.2); short protein forms Y75F.
Identifiers: ClinVar variation 1446024 (VCV001446024.7), dbSNP rs754791023, ClinGen allele CA4262443.

ClinVar aggregate classification (germline): Uncertain significance (1 of 4 stars; one submission).

Conditions:
Deficiency of aromatic-L-amino-acid decarboxylase. Also called: DDC DEFICIENCY; DOPA DECARBOXYLASE DEFICIENCY; Aromatic amino acid decarboxylase deficiency; AADC DEFICIENCY; Aromatic L-Amino Acid Decarboxylase Deficiency. Identifiers: Orphanet 35708, MedGen C1291564, MONDO:0012084, OMIM 608643.

Allele frequency attached by ClinVar (database versions not stated): ExAC 0.00001; gnomAD 0.00001; gnomAD exomes 0.00001 and 0.00002; TOPMed 0.00002.
gnomAD v4.1: 18 of 1,613,634 alleles (0.0011%); highest among the groups gnomAD compares: Non-Finnish European, 0.000085%; no homozygotes.

Submission:

Labcorp Genetics (formerly Invitae), Labcorp
Classification: Uncertain significance for Deficiency of aromatic-L-amino-acid decarboxylase. Last evaluated: 2022-11-08. Review status: criteria provided, single submitter. Criteria: Invitae Variant Classification Sherloc (09022015). Collection method: clinical testing. Allele origin: germline.
Comment: This sequence change replaces tyrosine, which is neutral and polar, with phenylalanine, which is neutral and non-polar, at codon 75 of the DDC protein (p.Tyr75Phe). This variant is present in population databases (rs754791023, gnomAD 0.06%). In summary, the available evidence is currently insufficient to determine the role of this variant in disease. Therefore, it has been classified as a Variant of Uncertain Significance. Advanced modeling of protein sequence and biophysical properties (such as structural, functional, and spatial information, amino acid conservation, physicochemical variation, residue mobility, and thermodynamic stability) performed at Invitae indicates that this missense variant is not expected to disrupt DDC protein function. ClinVar contains an entry for this variant (Variation ID: 1446024). This variant has not been reported in the literature in individuals affected with DDC-related conditions.